The following is an entry in ClinVar:

ClinVar aggregate classification (germline): Uncertain significance (1 of 4 stars; one submission).

Conditions:
Leber congenital amaurosis 2 (LCA2). Also called: AMAUROSIS CONGENITA OF LEBER II; Autosomal Recessive RPE65-Related Retinal Degeneration. Identifiers: Orphanet 65, MedGen C1859844, MONDO:0008765, OMIM 204100. Disease mechanism: loss of function.
Retinitis pigmentosa 20 (RP20). Identifiers: Orphanet 791, MedGen C3151086, MONDO:0013425, OMIM 613794.

Submission:

Labcorp Genetics (formerly Invitae), Labcorp
Classification: Uncertain significance for Leber congenital amaurosis 2; Retinitis pigmentosa 20. Last evaluated: 2020-01-30. Review status: criteria provided, single submitter. Criteria: Invitae Variant Classification Sherloc (09022015). Collection method: clinical testing. Allele origin: germline.
Comment: This variant has not been reported in the literature in individuals with RPE65-related conditions. This variant is not present in population databases (ExAC no frequency). This sequence change replaces valine with glutamic acid at codon 19 of the RPE65 protein (p.Val19Glu). The valine residue is moderately conserved and there is a moderate physicochemical difference between valine and glutamic acid. Algorithms developed to predict the effect of missense changes on protein structure and function are either unavailable or do not agree on the potential impact of this missense change (SIFT: "Deleterious"; PolyPhen-2: "Possibly Damaging"; Align-GVGD: "Class C0"). In summary, the available evidence is currently insufficient to determine the role of this variant in disease. Therefore, it has been classified as a Variant of Uncertain Significance.

NM_000329.3(RPE65):c.56T>A (p.Val19Glu)

Gene: RPE65 (retinoid isomerohydrolase RPE65; minus strand). Cytogenetic location: 1p31.3.
Variant type: single nucleotide variant.
Coding change: c.56T>A on transcript NM_000329.3 (MANE Select); coding-DNA position 56, T replaced by A.
Protein change: p.Val19Glu; replaces valine 19 with glutamic acid.
Molecular consequence: missense variant.
Genome position (GRCh38, 1-based): chr1:68,448,662, A>T on the plus strand (T>A on the coding strand, the complement: RPE65 is on the minus strand). VCF-style: chr1-68448662-A-T. GRCh37 (hg19) VCF-style: chr1-68914345-A-T.
Other names: short protein forms V19E.
Identifiers: ClinVar variation 1011889 (VCV001011889.9), dbSNP rs1645959875, ClinGen allele CA340750218.